The following is an entry in ClinVar:

ClinVar aggregate classification (germline): Uncertain significance (1 of 4 stars; one submission).

Conditions:
MYMK-related disorder. Also called: MYMK-related condition.

Submission:

PreventionGenetics, part of Exact Sciences
Classification: Uncertain significance for MYMK-related condition. Last evaluated: 2023-05-26. Review status: criteria provided, single submitter. Criteria: ACMG Guidelines, 2015. Collection method: clinical testing. Allele origin: germline.
Comment: The MYMK c.542G>A variant is predicted to result in the amino acid substitution p.Ser181Asn. To our knowledge, this variant has not been reported in the literature or in a large population database, indicating this variant is rare. At this time, the clinical significance of this variant is uncertain due to the absence of conclusive functional and genetic evidence.

NM_001080483.3(MYMK):c.542G>A (p.Ser181Asn)

Gene: MYMK (myomaker, myoblast fusion factor; minus strand). Cytogenetic location: 9q34.2.
Variant type: single nucleotide variant.
Coding change: c.542G>A on transcript NM_001080483.3 (MANE Select); coding-DNA position 542, G replaced by A.
Protein change: p.Ser181Asn; replaces serine 181 with asparagine.
Molecular consequence: missense variant.
Genome position (GRCh38, 1-based): chr9:133,514,760, C>T on the plus strand (G>A on the coding strand, the complement: MYMK is on the minus strand). VCF-style: chr9-133514760-C-T. GRCh37 (hg19) VCF-style: chr9-136379882-C-T.
Other names: short protein forms S181N.
Identifiers: ClinVar variation 2633199 (VCV002633199.1), dbSNP rs757556943, ClinGen allele CA375390458.
Genomic context (GRCh38, chr9:133,514,760, plus strand): 5'-TTCTTGTTGACCTTGGGCAGCAGCAGAACAAAGGACATAGCCAGGGCACAGTGGTAGAAG[C>T]TGTGGACATAAGTGTAGTCCCAGTCCTGCGGGGGGCAAGCGGTCAGTCTGGGGCCTCAGC-3'
Protein context (NP_001073952.1, residues 171-191): FEDWDYTYVH[Ser181Asn]FYHCALAMSF